The following is an entry in ClinVar:

ClinVar aggregate classification (germline): Uncertain significance (1 of 4 stars; one submission).

Conditions:
Ichthyosis linearis circumflexa. Identifiers: MedGen C0265962, MONDO:0043106, HP:0025810.

Allele frequency attached by ClinVar (database versions not stated): gnomAD exomes 0.00004 and 0.00002; gnomAD 0.00002; TOPMed 0.00002; ExAC 0.00004.
gnomAD v4.1: 40 of 1,613,630 alleles (0.0025%); highest among the groups gnomAD compares: Admixed American, 0.01%; no homozygotes.

Submission:

Labcorp Genetics (formerly Invitae), Labcorp
Classification: Uncertain significance for Ichthyosis linearis circumflexa. Last evaluated: 2024-01-22. Review status: criteria provided, single submitter. Criteria: Invitae Variant Classification Sherloc (09022015). Collection method: clinical testing. Allele origin: germline.
Comment: This sequence change falls in intron 31 of the SPINK5 gene. It does not directly change the encoded amino acid sequence of the SPINK5 protein. This variant is present in population databases (rs766558047, gnomAD 0.01%). This variant has not been reported in the literature in individuals affected with SPINK5-related conditions. ClinVar contains an entry for this variant (Variation ID: 1397190). Algorithms developed to predict the effect of sequence changes on RNA splicing suggest that this variant may disrupt the consensus splice site. In summary, the available evidence is currently insufficient to determine the role of this variant in disease. Therefore, it has been classified as a Variant of Uncertain Significance.

NM_006846.4(SPINK5):c.3096-6T>C

Gene: SPINK5 (serine peptidase inhibitor Kazal type 5; plus strand). Cytogenetic location: 5q32.
Variant type: single nucleotide variant.
Coding change: c.3096-6T>C on transcript NM_006846.4 (MANE Select); 6 bases into the intron before coding-DNA position 3096, T replaced by C.
Molecular consequence: intron variant.
Genome position (GRCh38, 1-based): chr5:148,133,791, T>C. VCF-style: chr5-148133791-T-C. GRCh37 (hg19) VCF-style: chr5-147513354-T-C.
Other names: c.3186-6T>C (NM_001127698.2).
Identifiers: ClinVar variation 1397190 (VCV001397190.4), dbSNP rs766558047, ClinGen allele CA3496251.
Genomic context (GRCh38, chr5:148,133,791, plus strand): 5'-CTTATTTATTTTCTTATTATAACTGAGAACTTCCTCGTTGTTGAAGCATCCTCTGATCTG[T>C]TTTAGGATACGCCAAACAAATACACACATCCGCAGTACAGGGAAGTGTGAGGAGAGCAGC-3'